The following is an entry in ClinVar:

NM_003036.4(SKI):c.1520C>G (p.Ser507Cys)

Gene: SKI (SKI proto-oncogene; plus strand). Cytogenetic location: 1p36.32.
Variant type: single nucleotide variant.
Coding change: c.1520C>G on transcript NM_003036.4 (MANE Select); coding-DNA position 1520, C replaced by G.
Protein change: p.Ser507Cys; replaces serine 507 with cysteine.
Molecular consequence: missense variant.
Genome position (GRCh38, 1-based): chr1:2,304,338, C>G. VCF-style: chr1-2304338-C-G. GRCh37 (hg19) VCF-style: chr1-2235777-C-G.
Other names: short protein forms S507C.
Identifiers: ClinVar variation 4635542 (VCV004635542.1).

ClinVar aggregate classification (germline): Uncertain significance (1 of 4 stars; one submission).

Conditions:
Familial thoracic aortic aneurysm and aortic dissection (TAAD). Also called: Thoracic aortic aneurysms and dissections. Identifiers: Orphanet 91387, MedGen C4707243, MONDO:0019625.

gnomAD v4.1: 2 of 1,551,650 alleles (0.00013%); highest among the groups gnomAD compares: South Asian, 0.0012%; no homozygotes.

Submission:

Ambry Genetics
Classification: Uncertain significance for Familial thoracic aortic aneurysm and aortic dissection. Last evaluated: 2025-11-04. Review status: criteria provided, single submitter. Criteria: Ambry Variant Classification Scheme 2023. Collection method: clinical testing. Allele origin: germline.
Comment: The p.S507C variant (also known as c.1520C>G), located in coding exon 5 of the SKI gene, results from a C to G substitution at nucleotide position 1520. The serine at codon 507 is replaced by cysteine, an amino acid with dissimilar properties. This amino acid position is conserved. In addition, the in silico prediction for this alteration is inconclusive. Based on the available evidence, the clinical significance of this variant remains unclear.